The following is an entry in ClinVar:

NM_000843.4(GRM6):c.2341G>A (p.Glu781Lys)

Genes: GRM6 (glutamate metabotropic receptor 6; minus strand), ZNF454 (zinc finger protein 454; plus strand). Cytogenetic location: 5q35.3.
Variant type: single nucleotide variant.
Coding change: c.2341G>A on transcript NM_000843.4 (MANE Select); coding-DNA position 2341, G replaced by A.
Protein change: p.Glu781Lys; replaces glutamic acid 781 with lysine.
Molecular consequence: missense variant.
Genome position (GRCh38, 1-based): chr5:178,983,005, C>T on the plus strand (G>A on the coding strand, the complement: GRM6 is on the minus strand). VCF-style: chr5-178983005-C-T. GRCh37 (hg19) VCF-style: chr5-178410006-C-T.
Other names: short protein forms E781K.
Identifiers: ClinVar variation 5841 (VCV000005841.6), dbSNP rs62638625, ClinGen allele CA117801.

ClinVar aggregate classification (germline): Uncertain significance. Review status: criteria provided, multiple submitters, no conflicts (2 of 4 stars). 4 submissions from 4 submitters: Uncertain significance (2). 2 of the submissions do not count toward it. Last evaluated 2023-08-24.

Conditions:
Congenital stationary night blindness 1B. Also called: Night blindness, congenital stationary (complete), 1B, autosomal recessive; NIGHT BLINDNESS, CONGENITAL STATIONARY, COMPLETE, AUTOSOMAL RECESSIVE. Identifiers: Orphanet 215, MedGen C1850362, MONDO:0009758, OMIM 257270.

Allele frequency attached by ClinVar (database versions not stated): ExAC 0.00002; gnomAD exomes 0.00002 and 0.00008; TOPMed 0.00011; gnomAD 0.00036 and 0.00037.
gnomAD v4.1: 91 of 1,614,014 alleles (0.0056%); highest among the groups gnomAD compares: Admixed American, 0.12%; no homozygotes.

Submissions (4):

Labcorp Genetics (formerly Invitae), Labcorp
Classification: Uncertain significance. Last evaluated: 2023-08-24. Review status: criteria provided, single submitter. Criteria: Invitae Variant Classification Sherloc (09022015). Collection method: clinical testing. Allele origin: germline.
Comment: In summary, the available evidence is currently insufficient to determine the role of this variant in disease. Therefore, it has been classified as a Variant of Uncertain Significance. Experimental studies have shown that this missense change affects GRM6 function (PMID: 17405131, 19666700). Advanced modeling of protein sequence and biophysical properties (such as structural, functional, and spatial information, amino acid conservation, physicochemical variation, residue mobility, and thermodynamic stability) performed at Invitae indicates that this missense variant is expected to disrupt GRM6 protein function. ClinVar contains an entry for this variant (Variation ID: 5841). This missense change has been observed in individual(s) with congenital night blindness (PMID: 15781871). This variant is present in population databases (rs62638625, gnomAD 0.04%). This sequence change replaces glutamic acid, which is acidic and polar, with lysine, which is basic and polar, at codon 781 of the GRM6 protein (p.Glu781Lys).

Blueprint Genetics
Classification: Uncertain significance. Last evaluated: 2023-04-19. Review status: criteria provided, single submitter. Criteria: ACMG Guidelines, 2015. Collection method: clinical testing. Allele origin: germline.

OMIM
Classification: Pathogenic for NIGHT BLINDNESS, CONGENITAL STATIONARY, TYPE 1B. Last evaluated: 2005-03-29. Review status: no assertion criteria provided. Collection method: literature only. Allele origin: germline. Not counted in ClinVar's aggregate classification.

Retina International
No classification provided. Review status: no classification provided. Collection method: not provided. Allele origin: not provided. Not counted in ClinVar's aggregate classification.

Literature cited by the submitters: PubMed 17405131 (cited by Labcorp Genetics (formerly Invitae), Labcorp); PubMed 19666700 (cited by Labcorp Genetics (formerly Invitae), Labcorp); PubMed 15781871 (cited by Labcorp Genetics (formerly Invitae), Labcorp and OMIM).